The following continues an entry in ClinVar:

NM_152384.3(BBS5):c.551A>G (p.Asn184Ser)

Gene: BBS5. ClinVar aggregate classification (germline): Conflicting classifications of pathogenicity. Uncertain significance (2); Benign (2); Likely benign (8).

Submissions 23 to 37 of 37:

Dr. Peter K. Rogan Lab, Western University
No classification provided (evidence only). Condition: Familial cancer of breast. Review status: no classification provided. Collection method: in vitro. Allele origin: not applicable. Functional consequence: retained intron. Not counted in ClinVar's aggregate classification.

Dr. Peter K. Rogan Lab, Western University
No classification provided (evidence only). Condition: Colon adenocarcinoma. Review status: no classification provided. Collection method: in vitro. Allele origin: not applicable. Functional consequence: retained intron. Not counted in ClinVar's aggregate classification.

Dr. Peter K. Rogan Lab, Western University
No classification provided (evidence only). Condition: Colon adenocarcinoma. Review status: no classification provided. Collection method: in vitro. Allele origin: not applicable. Functional consequence: retained intron. Not counted in ClinVar's aggregate classification.

Dr. Peter K. Rogan Lab, Western University
No classification provided (evidence only). Condition: Colorectal cancer. Review status: no classification provided. Collection method: in vitro. Allele origin: not applicable. Functional consequence: retained intron. Not counted in ClinVar's aggregate classification.

Dr. Peter K. Rogan Lab, Western University
No classification provided (evidence only). Condition: Colorectal cancer. Review status: no classification provided. Collection method: in vitro. Allele origin: not applicable. Functional consequence: retained intron. Not counted in ClinVar's aggregate classification.

Dr. Peter K. Rogan Lab, Western University
No classification provided (evidence only). Condition: Thyroid cancer, nonmedullary, 1. Review status: no classification provided. Collection method: in vitro. Allele origin: not applicable. Functional consequence: retained intron. Not counted in ClinVar's aggregate classification.

Dr. Peter K. Rogan Lab, Western University
No classification provided (evidence only). Condition: Thyroid cancer, nonmedullary, 1. Review status: no classification provided. Collection method: in vitro. Allele origin: not applicable. Functional consequence: retained intron. Not counted in ClinVar's aggregate classification.

Dr. Peter K. Rogan Lab, Western University
No classification provided (evidence only). Condition: Uterine corpus endometrial carcinoma. Review status: no classification provided. Collection method: in vitro. Allele origin: not applicable. Functional consequence: retained intron. Not counted in ClinVar's aggregate classification.

Dr. Peter K. Rogan Lab, Western University
No classification provided (evidence only). Condition: Sarcoma. Review status: no classification provided. Collection method: in vitro. Allele origin: not applicable. Functional consequence: retained intron. Not counted in ClinVar's aggregate classification.

Dr. Peter K. Rogan Lab, Western University
No classification provided (evidence only). Condition: Sarcoma. Review status: no classification provided. Collection method: in vitro. Allele origin: not applicable. Functional consequence: retained intron. Not counted in ClinVar's aggregate classification.

Dr. Peter K. Rogan Lab, Western University
No classification provided (evidence only). Condition: Sarcoma. Review status: no classification provided. Collection method: in vitro. Allele origin: not applicable. Functional consequence: retained intron. Not counted in ClinVar's aggregate classification.

Dr. Peter K. Rogan Lab, Western University
No classification provided (evidence only). Condition: Cholangiocarcinoma. Review status: no classification provided. Collection method: in vitro. Allele origin: not applicable. Functional consequence: retained intron. Not counted in ClinVar's aggregate classification.

Dr. Peter K. Rogan Lab, Western University
No classification provided (evidence only). Condition: Gastric cancer. Review status: no classification provided. Collection method: in vitro. Allele origin: not applicable. Functional consequence: retained intron. Not counted in ClinVar's aggregate classification.

Dr. Peter K. Rogan Lab, Western University
No classification provided (evidence only). Condition: Gastric cancer. Review status: no classification provided. Collection method: in vitro. Allele origin: not applicable. Functional consequence: retained intron. Not counted in ClinVar's aggregate classification.

NEI Ophthalmic Genomics Laboratory, National Institutes of Health
No classification provided. Review status: no classification provided. Collection method: not provided. Allele origin: not provided. Not counted in ClinVar's aggregate classification.

Literature cited by the submitters: PubMed 15137946 (cited by 5 submitters); PubMed 20498079 (cited by 4 submitters); PubMed 31506453 (cited by Women's Health and Genetics/Laboratory Corporation of America, LabCorp); PubMed 22025579 (cited by Mayo Clinic Laboratories, Mayo Clinic and Institute of Human Genetics, Univ. Regensburg, Univ. Regensburg); PubMed 28041643 (cited by 3 submitters); PubMed 28224992 (cited by Mayo Clinic Laboratories, Mayo Clinic and Institute of Human Genetics, Univ. Regensburg, Univ. Regensburg); PubMed 29068140 (cited by Mayo Clinic Laboratories, Mayo Clinic and Institute of Human Genetics, Univ. Regensburg, Univ. Regensburg); PubMed 32581362 (cited by Mayo Clinic Laboratories, Mayo Clinic and Institute of Human Genetics, Univ. Regensburg, Univ. Regensburg); PubMed 34448047 (cited by Mayo Clinic Laboratories, Mayo Clinic and Institute of Human Genetics, Univ. Regensburg, Univ. Regensburg); PubMed 35835773 (cited by Mayo Clinic Laboratories, Mayo Clinic and Institute of Human Genetics, Univ. Regensburg, Univ. Regensburg).